The following is an entry in ClinVar:

ClinVar aggregate classification (germline): Likely pathogenic. Review status: criteria provided, multiple submitters, no conflicts (2 of 4 stars). 3 submissions from 3 submitters: Likely pathogenic (2). 1 of the submissions does not count toward it. Last evaluated 2020-12-18.

Conditions:
Houge-Janssens syndrome 3. Also called: NEURODEVELOPMENTAL DISORDER AND LANGUAGE DELAY WITH OR WITHOUT STRUCTURAL BRAIN ABNORMALITIES. Identifiers: MedGen C5193048, MONDO:0032697, OMIM 618354.
PPP2CA-related disorder. Also called: PPP2CA-related condition.

Submissions (3):

Blueprint Genetics
Classification: Likely pathogenic for PPP2CA-related disorders. Last evaluated: 2020-12-18. Review status: criteria provided, single submitter. Criteria: ACMG Guidelines, 2015. Collection method: clinical testing. Allele origin: de novo. Affected: yes. Observed: 1 variant allele.

SIB Swiss Institute of Bioinformatics
Classification: Likely pathogenic for Houge-Janssens syndrome 3. Last evaluated: 2019-07-15. Review status: criteria provided, single submitter. Criteria: ACMG Guidelines, 2015. Collection method: curation. Allele origin: unknown.
Comment: This variant is interpreted as a Likely pathogenic for Neurodevelopmental disorder and language delay with or without structural brain abnormalities, autosomal dominant. The following ACMG Tag(s) were applied: PM2, PM6, PP3, PS3.

OMIM
Classification: Pathogenic for HOUGE-JANSSENS SYNDROME 3. Last evaluated: 2023-11-10. Review status: no assertion criteria provided. Collection method: literature only. Allele origin: germline. Not counted in ClinVar's aggregate classification.

Literature cited by the submitters: PubMed 30595372 (cited by SIB Swiss Institute of Bioinformatics and OMIM).

NM_002715.4(PPP2CA):c.794A>G (p.Tyr265Cys)

Gene: PPP2CA (protein phosphatase 2 catalytic subunit alpha; minus strand). Cytogenetic location: 5q31.1.
Variant type: single nucleotide variant.
Coding change: c.794A>G on transcript NM_002715.4 (MANE Select); coding-DNA position 794, A replaced by G.
Protein change: p.Tyr265Cys; replaces tyrosine 265 with cysteine.
Molecular consequence: missense variant. On other transcripts: non-coding transcript variant (1).
Genome position (GRCh38, 1-based): chr5:134,199,149, T>C on the plus strand (A>G on the coding strand, the complement: PPP2CA is on the minus strand). VCF-style: chr5-134199149-T-C. GRCh37 (hg19) VCF-style: chr5-133534840-T-C.
Other names: c.599A>G, p.Tyr200Cys (NM_001355019.2); short protein forms Y265C, Y200C.
Identifiers: ClinVar variation 620082 (VCV000620082.5), dbSNP rs1561733474, ClinGen allele CA360998127.